The following is an entry in ClinVar:

ClinVar aggregate classification (germline): Pathogenic (1 of 4 stars; one submission).

Conditions:
Alkaptonuria (AKU). Also called: Alcaptonuria; HOMOGENTISIC ACID OXIDASE DEFICIENCY; Homogentisic acidura; Alkaptonuric ochronosis. Identifiers: Orphanet 56, MedGen C0002066, MONDO:0008753, OMIM 203500.

Submission:

Labcorp Genetics (formerly Invitae), Labcorp
Classification: Pathogenic for Alkaptonuria. Last evaluated: 2024-02-13. Review status: criteria provided, single submitter. Criteria: Invitae Variant Classification Sherloc (09022015). Collection method: clinical testing. Allele origin: germline.
Comment: This sequence change creates a premature translational stop signal (p.Ile391Hisfs*7) in the HGD gene. While this is not anticipated to result in nonsense mediated decay, it is expected to disrupt the last 55 amino acid(s) of the HGD protein. This variant is not present in population databases (gnomAD no frequency). This variant has not been reported in the literature in individuals affected with HGD-related conditions. This variant disrupts a region of the HGD protein in which other variant(s) (p.Lys431Hisfs*11) have been determined to be pathogenic (PMID: 23430897, 25681086; Invitae). This suggests that this is a clinically significant region of the protein, and that variants that disrupt it are likely to be disease-causing. For these reasons, this variant has been classified as Pathogenic.

Literature cited by the submitters: PubMed 23430897; PubMed 25681086.

NM_000187.4(HGD):c.1171_1181del (p.Ile391fs)

Gene: HGD (homogentisate 1,2-dioxygenase; minus strand). Cytogenetic location: 3q13.33.
Variant type: Deletion.
Coding change: c.1171_1181del on transcript NM_000187.4 (MANE Select); coding-DNA positions 1171 to 1181, 11 bases deleted (ATTGCCGATGG).
Protein change: p.Ile391fs; shifts the reading frame from isoleucine 391.
Molecular consequence: frameshift variant.
Genome position (GRCh38, 1-based): chr3:120,633,154-120,633,164, CCATCGGCAAT deleted on the plus strand (ATTGCCGATGG on the coding strand, the reverse complement: HGD is on the minus strand); deleting any 11 consecutive bases within chr3:120,633,154-120,633,166 gives the same sequence; the c. name uses the placement nearest the transcript's 3' end. VCF-style (leftmost placement, unchanged base first): chr3-120633153-GCCATCGGCAAT-G. GRCh37 (hg19) VCF-style: chr3-120352000-GCCATCGGCAAT-G.
Other names: short protein forms I391fs.
Identifiers: ClinVar variation 3667861 (VCV003667861.2).
Genomic context (GRCh38, chr3:120,633,153, plus strand): 5'-CAGTAAGGGTGGGGAGTTCAGAGGCCGCTGGAATGTGGCAGTTAACATACTTACCATGGT[GCCATCGGCAAT>G]CCTCTCAGGTGCCAGCTTGACCTTGCTGGCCTTCTCAAAGCAGTCAGCATCAGGTCCATG-3'